The following is an entry in ClinVar:

NM_002439.5(MSH3):c.3130+4T>G

Gene: MSH3 (mutS homolog 3; plus strand). Cytogenetic location: 5q14.1.
Variant type: single nucleotide variant.
Coding change: c.3130+4T>G on transcript NM_002439.5 (MANE Select); 4 bases into the intron after coding-DNA position 3130, T replaced by G.
Molecular consequence: intron variant.
Genome position (GRCh38, 1-based): chr5:80,864,946, T>G. VCF-style: chr5-80864946-T-G. GRCh37 (hg19) VCF-style: chr5-80160765-T-G.
Identifiers: ClinVar variation 654590 (VCV000654590.15), dbSNP rs764306633, ClinGen allele CA3328448.

ClinVar aggregate classification (germline): Conflicting classifications of pathogenicity. Review status: criteria provided, conflicting classifications (1 of 4 stars). 5 submissions from 5 submitters: Uncertain significance (3); Likely benign (2). Last evaluated 2026-01-27.

Conditions:
Hereditary cancer-predisposing syndrome. Also called: Neoplastic Syndromes, Hereditary; Hereditary Cancer Syndrome; Tumor predisposition; Hereditary neoplastic syndrome. Identifiers: Orphanet 140162, MedGen C0027672, MeSH D009386, MONDO:0015356.
Familial adenomatous polyposis 4 (FAP4). Also called: MSH3-related attenuated familial adenomatous polyposis. Identifiers: Orphanet 480536, MedGen C4310719, MONDO:0044300, OMIM 617100.

Allele frequency attached by ClinVar (database versions not stated): ExAC 0.00002; gnomAD exomes 0.00002; gnomAD 0.00003 and 0.00004; TOPMed 0.00006.
gnomAD v4.1: 31 of 1,613,654 alleles (0.0019%); highest among the groups gnomAD compares: Admixed American, 0.0067%; no homozygotes.

Submissions (5):

Labcorp Genetics (formerly Invitae), Labcorp
Classification: Likely benign. Last evaluated: 2026-01-27. Review status: criteria provided, single submitter. Criteria: Invitae Variant Classification Sherloc (09022015). Collection method: clinical testing. Allele origin: germline.

Quest Diagnostics Nichols Institute San Juan Capistrano
Classification: Uncertain significance. Last evaluated: 2025-10-18. Review status: criteria provided, single submitter. Criteria: Quest Diagnostics criteria. Collection method: clinical testing. Allele origin: unknown.
Comment: The MSH3 c.3130+4T>G variant has not been reported in individuals with MSH3-related conditions in the published literature. The frequency of this variant in the general population (Genome Aggregation Database) is uninformative in the assessment of its pathogenicity. Analysis of this variant using software algorithms for the prediction of the effect of nucleotide changes on splicing yielded predictions that this variant does not affect MSH3 mRNA splicing. Based on the available information, we are unable to determine the clinical significance of this variant.

Department of Pathology and Laboratory Medicine, Sinai Health System
Classification: Uncertain significance for familial adenomatous polyposis 4. Last evaluated: 2024-04-17. Review status: criteria provided, single submitter. Criteria: ACMG Guidelines, 2015. Collection method: clinical testing. Allele origin: germline.

Ambry Genetics
Classification: Uncertain significance for Hereditary cancer-predisposing syndrome. Last evaluated: 2024-03-13. Review status: criteria provided, single submitter. Criteria: Ambry Variant Classification Scheme 2023. Collection method: clinical testing. Allele origin: germline.
Comment: The c.3130+4T>G intronic variant results from a T to G substitution 4 nucleotides after coding exon 22 in the MSH3 gene. This nucleotide position is not well conserved in available vertebrate species. In silico splice site analysis predicts that this alteration will not have any significant effect on splicing. Since supporting evidence is limited at this time, the clinical significance of this alteration remains unclear.

Blueprint Genetics
Classification: Likely benign. Last evaluated: 2024-02-20. Review status: criteria provided, single submitter. Criteria: ACMG Guidelines, 2015. Collection method: clinical testing. Allele origin: germline.